The following is an entry in ClinVar:

ClinVar aggregate classification (germline): Likely benign. Review status: reviewed by expert panel (3 of 4 stars). 2 submissions from 2 submitters: Likely benign (1). 1 of the submissions does not count toward it. Last evaluated 2025-01-15.

Conditions:
Hereditary thrombocytopenia and hematologic cancer predisposition syndrome. Identifiers: Orphanet 71290, MedGen CN281654, MONDO:0011071.

Submissions (2):

ClinGen Myeloid Malignancy Variant Curation Expert Panel
Classification: Likely benign for Hereditary thrombocytopenia and hematologic cancer predisposition syndrome. Last evaluated: 2025-01-15. Review status: reviewed by expert panel. Criteria: ClinGen MyeloMalig ACMG Specifications v2. Collection method: curation. Allele origin: germline. Inheritance: Autosomal dominant inheritance.
Comment: NM_001754.5(RUNX1)c.*682dup is a 3'UTR variant which has a MAF of 0.000453 (0.0453%, 30/66,226 alleles) in the European (non-Finnish) subpopulation of the gnomAD 4.1 cohort, meeting the threshold between 0.00015 (0.015%) and 0.0015 (0.15%) (BS1). In summary, this variant meets criteria to be classified as likely benign. ACMG/AMP criteria applied, as specified by the Myeloid Malignancy Variant Curation Expert Panel for RUNX1: BS1.

Breakthrough Genomics
Classification: Uncertain significance. Review status: criteria provided, single submitter. Criteria: ACMG Guidelines, 2015. Collection method: not provided. Allele origin: germline. Inheritance: Autosomal dominant inheritance. Affected: yes. Not counted in ClinVar's aggregate classification.

NM_001754.5(RUNX1):c.*682dup

Gene: RUNX1 (RUNX family transcription factor 1; minus strand). Cytogenetic location: 21q22.12.
Variant type: Duplication.
Coding change: c.*682dup on transcript NM_001754.5 (MANE Select); 682 bases downstream of the stop codon, one base duplicated (T; older notation c.*682dupT).
Molecular consequence: 3 prime UTR variant.
Genome position (GRCh38, 1-based): chr21:34,791,453, A duplicated on the plus strand (T on the coding strand, the reverse complement: RUNX1 is on the minus strand); the first of 9 consecutive A bases (chr21:34,791,453-34,791,461); duplicating any one gives the same sequence. VCF-style (leftmost placement, unchanged base first): chr21-34791452-C-CA. GRCh37 (hg19) VCF-style: chr21-36163749-C-CA.
Other names: c.*682dup (NM_001001890.3).
Identifiers: ClinVar variation 339858 (VCV000339858.7), dbSNP rs886057044, ClinGen allele CA10644639.